The following is an entry in ClinVar:

ClinVar aggregate classification (germline): Uncertain significance (1 of 4 stars; one submission).

Conditions:
Inborn genetic diseases. Identifiers: MedGen C0950123, MeSH D030342.

Submission:

Ambry Genetics
Classification: Uncertain significance for Inborn genetic diseases. Last evaluated: 2024-06-30. Review status: criteria provided, single submitter. Criteria: Ambry Variant Classification Scheme 2023. Collection method: clinical testing. Allele origin: germline.
Comment: The p.S795N variant (also known as c.2384G>A), located in coding exon 15 of the EPAS1 gene, results from a G to A substitution at nucleotide position 2384. The serine at codon 795 is replaced by asparagine, an amino acid with highly similar properties. This amino acid position is conserved. In addition, this alteration is predicted to be tolerated by in silico analysis. Based on the available evidence, the clinical significance of this variant remains unclear.

NM_001430.5(EPAS1):c.2384G>A (p.Ser795Asn)

Gene: EPAS1 (endothelial PAS domain protein 1; plus strand). Cytogenetic location: 2p21.
Variant type: single nucleotide variant.
Coding change: c.2384G>A on transcript NM_001430.5 (MANE Select); coding-DNA position 2384, G replaced by A.
Protein change: p.Ser795Asn; replaces serine 795 with asparagine.
Molecular consequence: missense variant.
Genome position (GRCh38, 1-based): chr2:46,382,521, G>A. VCF-style: chr2-46382521-G-A. GRCh37 (hg19) VCF-style: chr2-46609660-G-A.
Other names: short protein forms S795N.
Identifiers: ClinVar variation 3508928 (VCV003508928.1).
Genomic context (GRCh38, chr2:46,382,521, plus strand): 5'-ATCCCCTGAGACATCTGCCGCTGCCACAGCCTCCATCTGCCATCAGTCCCGGGGAGAACA[G>A]CAAGAGCAGGTTCCCCCCACAGTGCTACGCCACCCAGTACCAGGACTACAGCCTGTCGTC-3'
Protein context (NP_001421.2, residues 785-805): PPSAISPGEN[Ser795Asn]KSRFPPQCYA